The following is an entry in ClinVar:

ClinVar aggregate classification (germline): Uncertain significance. Review status: criteria provided, multiple submitters, no conflicts (2 of 4 stars). 4 submissions from 4 submitters: Uncertain significance (4). Last evaluated 2025-11-01.

Conditions:
Hereditary spastic paraplegia. Also called: Familial spastic paraparesis. Identifiers: Orphanet 685, MedGen C0037773, MONDO:0019064. Disease mechanism: loss of function.
Hereditary spastic paraplegia 7 (SPG7). Also called: Spastic paraplegia 7; Hereditary spastic paraplegia Paraplegin type; Autosomal recessive spastic paraplegia type 7; SPASTIC PARAPLEGIA 7, AUTOSOMAL RECESSIVE, WITH OR WITHOUT CEREBELLAR ATAXIA; SPG7-related neurologic disorder. Identifiers: Orphanet 99013, MedGen C1846564, MONDO:0011803, OMIM 607259.

Allele frequency attached by ClinVar (database versions not stated): ExAC 0.00003.
gnomAD v4.1: 60 of 1,613,910 alleles (0.0037%); highest among the groups gnomAD compares: South Asian, 0.035%; 1 homozygote.

Submissions (4):

CeGaT Center for Human Genetics Tuebingen
Classification: Uncertain significance. Last evaluated: 2025-11-01. Review status: criteria provided, single submitter. Criteria: CeGaT Center For Human Genetics Tuebingen Variant Classification Criteria Version 2. Collection method: clinical testing. Allele origin: germline. Affected: yes. Observed: 1 variant allele.
Comment: SPG7: PM2:Supporting, PM3:Supporting

Mayo Clinic Laboratories, Mayo Clinic
Classification: Uncertain significance. Last evaluated: 2025-02-27. Review status: criteria provided, single submitter. Criteria: ACMG Guidelines, 2015. Collection method: clinical testing. Allele origin: germline. Observed: 1 variant allele.
Comment: BP2

Labcorp Genetics (formerly Invitae), Labcorp
Classification: Uncertain significance for Hereditary spastic paraplegia 7. Last evaluated: 2024-09-11. Review status: criteria provided, single submitter. Criteria: Invitae Variant Classification Sherloc (09022015). Collection method: clinical testing. Allele origin: germline.
Comment: This sequence change replaces proline, which is neutral and non-polar, with leucine, which is neutral and non-polar, at codon 754 of the SPG7 protein (p.Pro754Leu). This variant is present in population databases (rs758721226, gnomAD 0.02%). This variant has not been reported in the literature in individuals affected with SPG7-related conditions. ClinVar contains an entry for this variant (Variation ID: 1344135). Invitae Evidence Modeling of protein sequence and biophysical properties (such as structural, functional, and spatial information, amino acid conservation, physicochemical variation, residue mobility, and thermodynamic stability) indicates that this missense variant is not expected to disrupt SPG7 protein function with a negative predictive value of 80%. In summary, the available evidence is currently insufficient to determine the role of this variant in disease. Therefore, it has been classified as a Variant of Uncertain Significance.

Genome Diagnostics Laboratory, The Hospital for Sick Children
Classification: Uncertain significance for Hereditary spastic paraplegia. Last evaluated: 2016-12-12. Review status: criteria provided, single submitter. Criteria: ACMG Guidelines, 2015. Collection method: clinical testing. Allele origin: germline. Affected: yes.

Literature cited by the submitters: PubMed 28362824 (cited by Mayo Clinic Laboratories, Mayo Clinic).

NM_003119.4(SPG7):c.2261C>T (p.Pro754Leu)

Gene: SPG7 (SPG7 matrix AAA peptidase subunit, paraplegin; plus strand). Cytogenetic location: 16q24.3.
Variant type: single nucleotide variant.
Coding change: c.2261C>T on transcript NM_003119.4 (MANE Select); coding-DNA position 2261, C replaced by T.
Protein change: p.Pro754Leu; replaces proline 754 with leucine.
Molecular consequence: missense variant. On other transcripts: 3 prime UTR variant (1).
Genome position (GRCh38, 1-based): chr16:89,556,966, C>T. VCF-style: chr16-89556966-C-T. GRCh37 (hg19) VCF-style: chr16-89623374-C-T.
Other names: p.Pro754Leu; c.*39C>T (NM_001363850.1); short protein forms P754L.
Identifiers: ClinVar variation 1344135 (VCV001344135.11), dbSNP rs758721226, ClinGen allele CA8244636.